The following is an entry in ClinVar:

ClinVar aggregate classification (germline): Uncertain significance. Review status: criteria provided, multiple submitters, no conflicts (2 of 4 stars). 4 submissions from 4 submitters: Uncertain significance (4). Last evaluated 2023-04-11.

Conditions:
Pyridoxine-dependent epilepsy (EPEO4). Also called: Pyridoxine-Dependent Seizures; Pyridoxine-Dependent Epilepsy - ALDH7A1; PYRIDOXINE DEPENDENCY WITH SEIZURES; EPILEPSY, EARLY-ONSET, 4, VITAMIN B6-DEPENDENT. Identifiers: Orphanet 3006, MedGen C1849508, MONDO:0009945, OMIM 266100. Disease mechanism: loss of function.

Allele frequency attached by ClinVar (database versions not stated): ExAC 0.00002; gnomAD exomes below 0.00001; TOPMed 0.00002; ESP Exome Variant Server 0.00015; gnomAD 0.00004.
gnomAD v4.1: 11 of 1,613,382 alleles (0.00068%); highest among the groups gnomAD compares: African/African-American, 0.0093%; no homozygotes.

Submissions (4):

Genome-Nilou Lab
Classification: Uncertain significance for Pyridoxine-dependent epilepsy. Last evaluated: 2023-04-11. Review status: criteria provided, single submitter. Criteria: ACMG Guidelines, 2015. Collection method: clinical testing. Allele origin: germline. Affected: no.

Labcorp Genetics (formerly Invitae), Labcorp
Classification: Uncertain significance for Pyridoxine-dependent epilepsy. Last evaluated: 2022-05-30. Review status: criteria provided, single submitter. Criteria: Invitae Variant Classification Sherloc (09022015). Collection method: clinical testing. Allele origin: germline.
Comment: This sequence change replaces glutamine, which is neutral and polar, with glutamic acid, which is acidic and polar, at codon 356 of the ALDH7A1 protein (p.Gln356Glu). This variant is present in population databases (rs138675705, gnomAD 0.008%). This variant has not been reported in the literature in individuals affected with ALDH7A1-related conditions. ClinVar contains an entry for this variant (Variation ID: 283788). Algorithms developed to predict the effect of missense changes on protein structure and function are either unavailable or do not agree on the potential impact of this missense change (SIFT: "Deleterious"; PolyPhen-2: "Benign"; Align-GVGD: "Class C25"). In summary, the available evidence is currently insufficient to determine the role of this variant in disease. Therefore, it has been classified as a Variant of Uncertain Significance.

GeneDx
Classification: Uncertain significance. Last evaluated: 2020-12-08. Review status: criteria provided, single submitter. Criteria: GeneDx Variant Classification Process June 2021. Collection method: clinical testing. Allele origin: germline. Affected: yes.
Comment: Not observed at a significant frequency in large population cohorts (Lek et al., 2016); In silico analysis supports that this missense variant does not alter protein structure/function; Has not been previously published as pathogenic or benign to our knowledge

Eurofins Ntd Llc (ga)
Classification: Uncertain significance. Last evaluated: 2015-11-02. Review status: criteria provided, single submitter. Criteria: EGL Classification Definitions 2015. Collection method: clinical testing. Allele origin: germline. Observed: 1 variant allele, 1 heterozygote.

NM_001182.5(ALDH7A1):c.1066C>G (p.Gln356Glu)

Gene: ALDH7A1 (aldehyde dehydrogenase 7 family member A1; minus strand). Cytogenetic location: 5q23.2.
Variant type: single nucleotide variant.
Coding change: c.1066C>G on transcript NM_001182.5 (MANE Select); coding-DNA position 1066, C replaced by G.
Protein change: p.Gln356Glu; replaces glutamine 356 with glutamic acid.
Molecular consequence: missense variant. On other transcripts: intron variant (1).
Genome position (GRCh38, 1-based): chr5:126,555,958, G>C on the plus strand (C>G on the coding strand, the complement: ALDH7A1 is on the minus strand). VCF-style: chr5-126555958-G-C. GRCh37 (hg19) VCF-style: chr5-125891650-G-C.
Other names: c.982C>G, p.Gln328Glu (NM_001201377.2); c.1008+3282C>G (NM_001202404.2); short protein forms Q356E, Q328E.
Identifiers: ClinVar variation 283788 (VCV000283788.12), dbSNP rs138675705, ClinGen allele CA3389546.